The following is an entry in ClinVar:

NM_001363711.2(DUOX2):c.1949T>C (p.Met650Thr)

Gene: DUOX2 (dual oxidase 2; minus strand). Cytogenetic location: 15q21.1.
Variant type: single nucleotide variant.
Coding change: c.1949T>C on transcript NM_001363711.2 (MANE Select); coding-DNA position 1949, T replaced by C.
Protein change: p.Met650Thr; replaces methionine 650 with threonine.
Molecular consequence: missense variant.
Genome position (GRCh38, 1-based): chr15:45,106,324, A>G on the plus strand (T>C on the coding strand, the complement: DUOX2 is on the minus strand). VCF-style: chr15-45106324-A-G. GRCh37 (hg19) VCF-style: chr15-45398522-A-G.
Other names: p.Met650Thr; c.1949T>C, p.Met650Thr (NM_014080.5); short protein forms M650T.
Identifiers: ClinVar variation 888275 (VCV000888275.9), dbSNP rs752426361, ClinGen allele CA7538414.
Genomic context (GRCh38, chr15:45,106,324, plus strand): 5'-CTGTCTGACAGCAGCTGGATGATGATGGGACTGCTCCTCTCCTTGGGGCCTGGCCACTCC[A>G]TCGCTGGGGAAGGGATAATTGGGCCGGGTAGTTCAGCAGATGTCCCCAGGTCCCCGCCTT-3'
Protein context (NP_001350640.1, residues 640-660): KEAAKDGVPA[Met650Thr]EWPGPKERSS

ClinVar aggregate classification (germline): Uncertain significance. Review status: criteria provided, multiple submitters, no conflicts (2 of 4 stars). 3 submissions from 3 submitters: Uncertain significance (3). Last evaluated 2025-12-09.

Conditions:
Thyroid dyshormonogenesis 6 (TDH6). Also called: HYPOTHYROIDISM, CONGENITAL, DUE TO DYSHORMONOGENESIS, 6; THYROID HORMONOGENESIS, GENETIC DEFECT IN, 6; Genetic transient congenital hypothyroidism. Identifiers: Orphanet 226316, Orphanet 95716, MedGen C1846632, MONDO:0011792, OMIM 607200.

Allele frequency attached by ClinVar (database versions not stated): ExAC 0.00002; gnomAD exomes 0.00004; gnomAD 0.00005; TOPMed 0.00006.
gnomAD v4.1: 75 of 1,613,862 alleles (0.0046%); highest among the groups gnomAD compares: Middle Eastern, 0.082%; no homozygotes.

Submissions (3):

Labcorp Genetics (formerly Invitae), Labcorp
Classification: Uncertain significance. Last evaluated: 2025-12-09. Review status: criteria provided, single submitter. Criteria: Invitae Variant Classification Sherloc (09022015). Collection method: clinical testing. Allele origin: germline.
Comment: This sequence change replaces methionine, which is neutral and non-polar, with threonine, which is neutral and polar, at codon 650 of the DUOX2 protein (p.Met650Thr). This variant is present in population databases (rs752426361, gnomAD 0.006%). This missense change has been observed in individual(s) with clinical features of congenital hypothyroidism (PMID: 28666341). ClinVar contains an entry for this variant (Variation ID: 888275). Invitae Evidence Modeling of protein sequence and biophysical properties (such as structural, functional, and spatial information, amino acid conservation, physicochemical variation, residue mobility, and thermodynamic stability) indicates that this missense variant is not expected to disrupt DUOX2 protein function with a negative predictive value of 80%. In summary, the available evidence is currently insufficient to determine the role of this variant in disease. Therefore, it has been classified as a Variant of Uncertain Significance.

Mayo Clinic Laboratories, Mayo Clinic
Classification: Uncertain significance. Last evaluated: 2024-09-04. Review status: criteria provided, single submitter. Criteria: ACMG Guidelines, 2015. Collection method: clinical testing. Allele origin: germline. Observed: 1 variant allele.
Comment: BP4, PM2

Illumina Laboratory Services, Illumina
Classification: Uncertain significance for Thyroid dyshormonogenesis 6. Last evaluated: 2018-01-13. Review status: criteria provided, single submitter. Criteria: ICSL Variant Classification Criteria 13 December 2019. Collection method: clinical testing. Allele origin: germline.

Literature cited by the submitters: PubMed 28666341 (cited by Labcorp Genetics (formerly Invitae), Labcorp and Mayo Clinic Laboratories, Mayo Clinic).